The following is an entry in ClinVar:

NM_001370259.2(MEN1):c.582T>A (p.Ala194=)

Gene: MEN1 (menin 1; minus strand). Cytogenetic location: 11q13.1.
Variant type: single nucleotide variant.
Coding change: c.582T>A on transcript NM_001370259.2 (MANE Select); coding-DNA position 582, T replaced by A.
Protein change: p.Ala194=; no amino-acid change (alanine 194 retained).
Molecular consequence: synonymous variant. On other transcripts: intron variant (2).
Genome position (GRCh38, 1-based): chr11:64,807,963, A>T on the plus strand (T>A on the coding strand, the complement: MEN1 is on the minus strand). VCF-style: chr11-64807963-A-T. GRCh37 (hg19) VCF-style: chr11-64575435-A-T.
Other names: c.582T>A (NM_130799.2); c.597T>A, p.Ala199= (NM_000244.4, NM_130800.3, NM_130801.3 and 3 more transcripts); c.582T>A, p.Ala194= (NM_001370251.2, NM_001370260.2, NM_001370261.2 and 1 more transcripts); c.549+33T>A (NM_001370263.2, NM_001370262.2).
Identifiers: ClinVar variation 1129647 (VCV001129647.12), dbSNP rs1592650942, ClinGen allele CA475162914.
Genomic context (GRCh38, chr11:64,807,963, plus strand): 5'-ACCGGCATTGACTGTCTGGCCCCTGCGGTCCTCGTTGCCCTTGCCGTGCCAGGTGACCTC[A>T]GCTGTCTGCTCCCCATTGGGCCCAAACACTACCCAGGCATGATCCTCAGACAGGGCGAGG-3'
Protein context (NP_001357188.2, residues 184-204): VVFGPNGEQT[Ala194=]EVTWHGKGNE

ClinVar aggregate classification (germline): Benign/Likely benign. Review status: criteria provided, multiple submitters, no conflicts (2 of 4 stars). 3 submissions from 3 submitters: Benign (1); Likely benign (2). Last evaluated 2025-07-14.

Conditions:
Hereditary cancer-predisposing syndrome. Also called: Neoplastic Syndromes, Hereditary; Tumor predisposition; Hereditary Cancer Syndrome; Hereditary neoplastic syndrome. Identifiers: Orphanet 140162, MedGen C0027672, MeSH D009386, MONDO:0015356.
Multiple endocrine neoplasia, type 1 (MEN1). Also called: MEN I; WERMER SYNDROME; MEA I; Endocrine adenomatosis multiple; MEN 1. Identifiers: Orphanet 652, MedGen C0025267, MeSH D018761, MONDO:0007540, OMIM 131100.

Submissions (3):

Labcorp Genetics (formerly Invitae), Labcorp
Classification: Likely benign for Multiple endocrine neoplasia, type 1. Last evaluated: 2025-07-14. Review status: criteria provided, single submitter. Criteria: Invitae Variant Classification Sherloc (09022015). Collection method: clinical testing. Allele origin: germline.

Myriad Genetics, Inc.
Classification: Benign for Multiple endocrine neoplasia, type 1. Last evaluated: 2024-11-01. Review status: criteria provided, single submitter. Criteria: Myriad Autosomal Dominant, Autosomal Recessive and X-Linked Classification Criteria (2023). Collection method: clinical testing. Allele origin: unknown.
Comment: This variant is considered benign. This variant is a silent/synonymous amino acid change and it is not expected to impact splicing.

Ambry Genetics
Classification: Likely benign for Hereditary cancer-predisposing syndrome. Last evaluated: 2024-05-09. Review status: criteria provided, single submitter. Criteria: Ambry Variant Classification Scheme 2023. Collection method: clinical testing. Allele origin: germline.